The following is an entry in ClinVar:

ClinVar aggregate classification (germline): Uncertain significance. Review status: criteria provided, single submitter (1 of 4 stars). 2 submissions from 1 submitter: Uncertain significance (1). 1 of the submissions does not count toward it. Last evaluated 2022-08-12.

Conditions:
TP63-Related Spectrum Disorders.

Submissions (2):

Labcorp Genetics (formerly Invitae), Labcorp
Classification: Uncertain significance. Last evaluated: 2022-08-12. Review status: criteria provided, single submitter. Criteria: Invitae Variant Classification Sherloc (09022015). Collection method: clinical testing. Allele origin: germline.
Comment: A copy number gain of the genomic region encompassing the full coding sequence of the CLDN16 gene has been identified. The boundaries of this event are unknown as they extend beyond the assayed region for this gene and therefore may encompass additional genes. As the precise location of this event is unknown, it may be in tandem or it may be located elsewhere in the genome. This variant has not been reported in the literature in individuals affected with CLDN16-related conditions. In summary, the available evidence is currently insufficient to determine the role of this variant in disease. Therefore, it has been classified as a Variant of Uncertain Significance.

Labcorp Genetics (formerly Invitae), Labcorp
Classification: Uncertain significance. Last evaluated: 2022-08-12. Review status: flagged submission. Criteria: Invitae Variant Classification Sherloc (09022015). Collection method: clinical testing. Allele origin: germline. Not counted in ClinVar's aggregate classification.
Comment: A copy number gain of the genomic region encompassing the full coding sequence of the TP63 gene has been identified. The boundaries of this event are unknown as they extend beyond the assayed region for this gene and therefore may encompass additional genes. As the precise location of this event is unknown, it may be in tandem or it may be located elsewhere in the genome. This variant has not been reported in the literature in individuals affected with TP63-related conditions. In summary, the available evidence is currently insufficient to determine the role of this variant in disease. Therefore, it has been classified as a Variant of Uncertain Significance.
ClinVar note: Reason: This record appears to be redundant with a more recent record from the same submitter.
ClinVar note: Notes: SCV003792490 appears to be redundant with SCV003791521.

NC_000003.11:g.(?_188118572)_(192126012_?)dup

Genes: CCDC50 (coiled-coil domain containing 50; plus strand), CLDN1 (claudin 1; minus strand), CLDN16 (claudin 16; plus strand), FGF12 (fibroblast growth factor 12; minus strand), GMNC (geminin coiled-coil domain containing; minus strand) and 10 more. Cytogenetic location: 3q28.
Variant type: Duplication.
Identifiers: ClinVar variation 2424748 (VCV002424748.3).